The following is an entry in ClinVar:

NM_004369.4(COL6A3):c.1729A>G (p.Ile577Val)

Gene: COL6A3 (collagen type VI alpha 3 chain; minus strand). Cytogenetic location: 2q37.3.
Variant type: single nucleotide variant.
Coding change: c.1729A>G on transcript NM_004369.4 (MANE Select); coding-DNA position 1729, A replaced by G.
Protein change: p.Ile577Val; replaces isoleucine 577 with valine.
Molecular consequence: missense variant.
Genome position (GRCh38, 1-based): chr2:237,381,083, T>C on the plus strand (A>G on the coding strand, the complement: COL6A3 is on the minus strand). VCF-style: chr2-237381083-T-C. GRCh37 (hg19) VCF-style: chr2-238289726-T-C.
Other names: c.508A>G, p.Ile170Val (NM_057164.5, NM_057166.5); c.1111A>G, p.Ile371Val (NM_057165.5, NM_057167.4); short protein forms I170V, I371V, I577V.
Identifiers: ClinVar variation 1706319 (VCV001706319.2), dbSNP rs2469928612, ClinGen allele CA351217156.
Genomic context (GRCh38, chr2:237,381,083, plus strand): 5'-AAGCGATCTCTTCCAGCTCAGCCTGATCGGCACCCTTGTTCCCAATGGCAAAGGCCATTA[T>C]GCTGCTTCTCTTCAGCTCCTGGGCAGGCTGGCTGATTTCATCTAGGGACTTACCACCTGT-3'
Protein context (NP_004360.2, residues 567-587): QPAQELKRSS[Ile577Val]MAFAIGNKGA

ClinVar aggregate classification (germline): Uncertain significance (1 of 4 stars; one submission).

Submission:

GeneDx
Classification: Uncertain significance. Last evaluated: 2022-03-15. Review status: criteria provided, single submitter. Criteria: GeneDx Variant Classification Process June 2021. Collection method: clinical testing. Allele origin: germline. Affected: yes.
Comment: Not observed at significant frequency in large population cohorts (gnomAD); In silico analysis supports that this missense variant does not alter protein structure/function; Has not been previously published as pathogenic or benign to our knowledge